The following is an entry in ClinVar:

ClinVar aggregate classification (germline): Uncertain significance. Review status: criteria provided, multiple submitters, no conflicts (2 of 4 stars). 2 submissions from 2 submitters: Uncertain significance (2). Last evaluated 2024-11-05.

Conditions:
DNA ligase IV deficiency. Identifiers: Orphanet 99812, MedGen C1847827, MONDO:0011686, OMIM 606593.
Inborn genetic diseases. Identifiers: MedGen C0950123, MeSH D030342.

Allele frequency attached by ClinVar (database versions not stated): ExAC 0.00001; TOPMed 0.00006.
gnomAD v4.1: 5 of 1,614,040 alleles (0.00031%); highest among the groups gnomAD compares: Admixed American, 0.0083%; no homozygotes.

Submissions (2):

Labcorp Genetics (formerly Invitae), Labcorp
Classification: Uncertain significance for DNA ligase IV deficiency. Last evaluated: 2024-11-05. Review status: criteria provided, single submitter. Criteria: Invitae Variant Classification Sherloc (09022015). Collection method: clinical testing. Allele origin: germline.
Comment: This sequence change replaces glutamine, which is neutral and polar, with glutamic acid, which is acidic and polar, at codon 177 of the LIG4 protein (p.Gln177Glu). This variant is present in population databases (rs771448034, gnomAD 0.01%). This variant has not been reported in the literature in individuals affected with LIG4-related conditions. ClinVar contains an entry for this variant (Variation ID: 950311). Invitae Evidence Modeling of protein sequence and biophysical properties (such as structural, functional, and spatial information, amino acid conservation, physicochemical variation, residue mobility, and thermodynamic stability) indicates that this missense variant is not expected to disrupt LIG4 protein function with a negative predictive value of 80%. In summary, the available evidence is currently insufficient to determine the role of this variant in disease. Therefore, it has been classified as a Variant of Uncertain Significance.

Ambry Genetics
Classification: Uncertain significance for Inborn genetic diseases. Last evaluated: 2024-06-28. Review status: criteria provided, single submitter. Criteria: Ambry Variant Classification Scheme 2023. Collection method: clinical testing. Allele origin: germline.

NM_206937.2(LIG4):c.529C>G (p.Gln177Glu)

Gene: LIG4 (DNA ligase 4; minus strand). Cytogenetic location: 13q33.3.
Variant type: single nucleotide variant.
Coding change: c.529C>G on transcript NM_206937.2 (MANE Select); coding-DNA position 529, C replaced by G.
Protein change: p.Gln177Glu; replaces glutamine 177 with glutamic acid.
Molecular consequence: missense variant.
Genome position (GRCh38, 1-based): chr13:108,210,740, G>C on the plus strand (C>G on the coding strand, the complement: LIG4 is on the minus strand). VCF-style: chr13-108210740-G-C. GRCh37 (hg19) VCF-style: chr13-108863088-G-C.
Other names: c.529C>G, p.Gln177Glu (NM_002312.3, NM_001098268.2, NM_001352598.2 and 6 more transcripts); c.328C>G, p.Gln110Glu (NM_001330595.2); c.565C>G, p.Gln189Glu (NM_001352604.2); short protein forms Q110E, Q177E, Q189E.
Identifiers: ClinVar variation 950311 (VCV000950311.9), dbSNP rs771448034, ClinGen allele CA7043831.